The following is an entry in ClinVar:

ClinVar aggregate classification (germline): Uncertain significance (1 of 4 stars; one submission).

Conditions:
Lowe syndrome (OCRL). Also called: PHOSPHATIDYLINOSITOL 4,5-BISPHOSPHATE 5-PHOSPHATASE DEFICIENCY; Oculocerebrorenal Syndrome; LOWE OCULOCEREBRORENAL SYNDROME. Identifiers: Orphanet 534, MedGen C0028860, MONDO:0010645, OMIM 309000.

Submissions (2):

Labcorp Genetics (formerly Invitae), Labcorp
Classification: Uncertain significance for Lowe syndrome. Last evaluated: 2020-03-17. Review status: criteria provided, single submitter. Criteria: Invitae Variant Classification Sherloc (09022015). Collection method: clinical testing. Allele origin: germline.
Comment: In summary, the available evidence is currently insufficient to determine the role of this variant in disease. Therefore, it has been classified as a Variant of Uncertain Significance. Algorithms developed to predict the effect of missense changes on protein structure and function are either unavailable or do not agree on the potential impact of this missense change (SIFT: "Tolerated"; PolyPhen-2: "Benign"; Align-GVGD: "Class C0"). This variant has not been reported in the literature in individuals with OCRL-related conditions. This variant is not present in population databases (ExAC no frequency). This sequence change replaces arginine with leucine at codon 663 of the OCRL protein (p.Arg663Leu). The arginine residue is moderately conserved and there is a moderate physicochemical difference between arginine and leucine.

Dr. Peter K. Rogan Lab, Western University
No classification provided (evidence only). Condition: Thyroid cancer, nonmedullary, 1. Review status: no classification provided. Collection method: in vitro. Allele origin: not applicable. Functional consequence: retained intron. Not counted in ClinVar's aggregate classification.

NM_000276.4(OCRL):c.1988G>T (p.Arg663Leu)

Gene: OCRL (OCRL inositol polyphosphate-5-phosphatase; plus strand). Cytogenetic location: Xq26.1.
Variant type: single nucleotide variant.
Coding change: c.1988G>T on transcript NM_000276.4 (MANE Select); coding-DNA position 1988, G replaced by T.
Protein change: p.Arg663Leu; replaces arginine 663 with leucine.
Molecular consequence: missense variant.
Genome position (GRCh38, 1-based): chrX:129,576,425, G>T. VCF-style: chrX-129576425-G-T. GRCh37 (hg19) VCF-style: chrX-128710402-G-T.
Other names: c.1991G>T, p.Arg664Leu (NM_001318784.2); c.1988G>T, p.Arg663Leu (NM_001587.4); short protein forms R663L, R664L.
Identifiers: ClinVar variation 1003381 (VCV001003381.9), dbSNP rs745885693, ClinGen allele CA414621240.